The following is an entry in ClinVar:

ClinVar aggregate classification (germline): Uncertain significance (1 of 4 stars; one submission).

Allele frequency attached by ClinVar (database versions not stated): gnomAD 0.00001.
gnomAD v4.1: 1 of 1,597,370 alleles (0.000063%); highest among the groups gnomAD compares: African/African-American, 0.0013%; no homozygotes.

Submission:

GeneDx
Classification: Uncertain significance. Last evaluated: 2023-01-26. Review status: criteria provided, single submitter. Criteria: GeneDx Variant Classification Process June 2021. Collection method: clinical testing. Allele origin: germline.
Comment: Not observed at significant frequency in large population cohorts (gnomAD); In silico analysis supports that this missense variant has a deleterious effect on protein structure/function; Has not been previously published as pathogenic or benign to our knowledge

NM_032603.5(LOXL3):c.308G>A (p.Gly103Glu)

Genes: DOK1 (docking protein 1; plus strand), LOXL3 (lysyl oxidase like 3; minus strand). Cytogenetic location: 2p13.1.
Variant type: single nucleotide variant.
Coding change: c.308G>A on transcript NM_032603.5 (MANE Select); coding-DNA position 308, G replaced by A.
Protein change: p.Gly103Glu; replaces glycine 103 with glutamic acid.
Molecular consequence: missense variant. On other transcripts: intron variant (1).
Genome position (GRCh38, 1-based): chr2:74,552,327, C>T on the plus strand (G>A on the coding strand, the complement: LOXL3 is on the minus strand). VCF-style: chr2-74552327-C-T. GRCh37 (hg19) VCF-style: chr2-74779454-C-T.
Other names: c.308G>A, p.Gly103Glu (NM_001289164.3); c.-357-2827C>T (NM_001197260.2); short protein forms G103E.
Identifiers: ClinVar variation 1804290 (VCV001804290.2), dbSNP rs1677068611, ClinGen allele CA347396660.